The following is an entry in ClinVar:

ClinVar aggregate classification (germline): Uncertain significance (1 of 4 stars; one submission).

Conditions:
Hereditary cancer-predisposing syndrome. Also called: Neoplastic Syndromes, Hereditary; Hereditary Cancer Syndrome; Hereditary neoplastic syndrome; Tumor predisposition. Identifiers: Orphanet 140162, MedGen C0027672, MeSH D009386, MONDO:0015356.

Submission:

Ambry Genetics
Classification: Uncertain significance for Hereditary cancer-predisposing syndrome. Last evaluated: 2023-04-19. Review status: criteria provided, single submitter. Criteria: Ambry Variant Classification Scheme 2023. Collection method: clinical testing. Allele origin: germline.
Comment: The p.L9R variant (also known as c.26T>G), located in coding exon 1 of the TMEM127 gene, results from a T to G substitution at nucleotide position 26. The leucine at codon 9 is replaced by arginine, an amino acid with dissimilar properties. This amino acid position is conserved. In addition, this alteration is predicted to be deleterious by in silico analysis. Since supporting evidence is limited at this time, the clinical significance of this alteration remains unclear.

NM_017849.4(TMEM127):c.26T>G (p.Leu9Arg)

Genes: TMEM127 (transmembrane protein 127; minus strand), LOC129934333 (ATAC-STARR-seq lymphoblastoid silent region 11759; plus strand). Cytogenetic location: 2q11.2.
Variant type: single nucleotide variant.
Coding change: c.26T>G on transcript NM_017849.4 (MANE Select); coding-DNA position 26, T replaced by G.
Protein change: p.Leu9Arg; replaces leucine 9 with arginine.
Molecular consequence: missense variant. On other transcripts: intron variant (1).
Genome position (GRCh38, 1-based): chr2:96,265,356, A>C on the plus strand (T>G on the coding strand, the complement: TMEM127 is on the minus strand). VCF-style: chr2-96265356-A-C. GRCh37 (hg19) VCF-style: chr2-96931094-A-C.
Other names: c.26T>G, p.Leu9Arg (NM_001193304.3); c.-9+513T>G (NM_001407283.1); short protein forms L9R.
Identifiers: ClinVar variation 2560454 (VCV002560454.2), dbSNP rs2104308474, ClinGen allele CA347656294.
Genomic context (GRCh38, chr2:96,265,356, plus strand): 5'-CGCTCCGGCTGCTTGGGCAGAGCGCTGCCTCCCGGGCTCCTCCGCCGGCGCCCGCCGGGC[A>C]GCCCTGCGCCTCCGGGGGCGTACATGCCCGGGGCCGCCCGCCGTCGCTCCGCAGTCGCTG-3'
Protein context (NP_060319.1, residues 1-19): MYAPGGAG[Leu9Arg]PGGRRRRSPG